The following is an entry in ClinVar:

ClinVar aggregate classification (germline): Pathogenic (1 of 4 stars; one submission).

Conditions:
Hereditary cancer-predisposing syndrome. Also called: Tumor predisposition; Hereditary Cancer Syndrome; Neoplastic Syndromes, Hereditary; Hereditary neoplastic syndrome. Identifiers: Orphanet 140162, MedGen C0027672, MeSH D009386, MONDO:0015356.

Submission:

Ambry Genetics
Classification: Pathogenic for Hereditary cancer-predisposing syndrome. Last evaluated: 2019-02-14. Review status: criteria provided, single submitter. Criteria: Ambry Variant Classification Scheme 2023. Collection method: clinical testing. Allele origin: germline.
Comment: The c.2780_2793del14 pathogenic mutation, located in coding exon 4 of the MSH6 gene, results from a deletion of 14 nucleotides at nucleotide positions 2780 to 2793, causing a translational frameshift with a predicted alternate stop codon (p.I927Rfs*3). This alteration is expected to result in loss of function by premature protein truncation or nonsense-mediated mRNA decay. As such, this alteration is interpreted as a disease-causing mutation.

NM_000179.3(MSH6):c.2780_2793del (p.Ile927fs)

Gene: MSH6 (mutS homolog 6; plus strand). Cytogenetic location: 2p16.3.
Variant type: Deletion.
Coding change: c.2780_2793del on transcript NM_000179.3 (MANE Select); coding-DNA positions 2780 to 2793, 14 bases deleted (TTACTCCCAAAGCA).
Protein change: p.Ile927fs; shifts the reading frame from isoleucine 927.
Molecular consequence: frameshift variant.
Genome position (GRCh38, 1-based): chr2:47,800,763-47,800,776, TTACTCCCAAAGCA deleted; deleting any 14 consecutive bases within chr2:47,800,762-47,800,776 gives the same sequence; the c. name uses the placement nearest the transcript's 3' end. VCF-style (leftmost placement, unchanged base first): chr2-47800761-TATTACTCCCAAAGC-T. GRCh37 (hg19) VCF-style: chr2-48027900-TATTACTCCCAAAGC-T.
Other names: c.2483_2496delTTACTCCCAAAGCA, p.Ile828Argfs (NM_001406819.1, NM_001406820.1, NM_001406821.1 and 10 more transcripts); c.1874_1887delTTACTCCCAAAGCA, p.Ile625Argfs (NM_001406823.1, NM_001406829.1, NM_001406811.1 and 4 more transcripts); c.2612_2625delTTACTCCCAAAGCA, p.Ile871Argfs (NM_001406826.1); c.725_738delTTACTCCCAAAGCA, p.Ile242Argfs (NM_001407362.1); c.2390_2403del, p.Ile797fs (NM_001281492.2); c.1874_1887del, p.Ile625fs (NM_001281493.2, NM_001281494.2); c.2876_2889delTTACTCCCAAAGCA, p.Ile959Argfs (NM_001406795.1, NM_001406802.1); c.2780_2793delTTACTCCCAAAGCA, p.Ile927Argfs (NM_001406796.1, NM_001406798.1, NM_001406800.1 and 2 more transcripts); and 4 more; short protein forms I797fs, I625fs, I927fs.
Identifiers: ClinVar variation 1795920 (VCV001795920.2), dbSNP rs2530692842, ClinGen allele CA2580068065.